The following is an entry in ClinVar:

ClinVar aggregate classification (germline): Conflicting classifications of pathogenicity. Review status: criteria provided, conflicting classifications (1 of 4 stars). 3 submissions from 3 submitters: Likely pathogenic (2); Uncertain significance (1). Last evaluated 2025-11-20.

Conditions:
Autosomal recessive limb-girdle muscular dystrophy type 2A (LGMDR1). Also called: LEYDEN-MOEBIUS MUSCULAR DYSTROPHY; MUSCULAR DYSTROPHY, PELVOFEMORAL; Limb-girdle muscular dystrophy, type 2A; Muscular dystrophy, limb-girdle, type 2A, Amish; Calpainopathy. Identifiers: Orphanet 267, MedGen C1869123, MONDO:0009675, OMIM 253600. Disease mechanism: loss of function.

Allele frequency attached by ClinVar (database versions not stated): gnomAD exomes below 0.00001; gnomAD 0.00001.
gnomAD v4.1: 2 of 1,613,548 alleles (0.00012%); highest among the groups gnomAD compares: African/African-American, 0.0013%; no homozygotes.

Submissions (3):

Myriad Genetics, Inc.
Classification: Uncertain significance for Autosomal recessive limb-girdle muscular dystrophy type 2A. Last evaluated: 2025-11-20. Review status: criteria provided, single submitter. Criteria: Myriad Autosomal Dominant, Autosomal Recessive and X-Linked Classification Criteria (2023). Collection method: clinical testing. Allele origin: unknown.
Comment: NM_000070.2(CAPN3):c.2185-16A>G is an intronic variant classified as a variant of uncertain significance in the context of calpainopathy. c.2185-16A>G has been observed in a case with relevant disease (PMID: 17979987). Relevant functional assessments of this variant are available in the literature (PMID: 17979987). c.2185-16A>G has been observed in referenced population frequency databases. In summary, there is insufficient evidence to classify NM_000070.2(CAPN3):c.2185-16A>G as pathogenic or benign. Please note: this variant was assessed in the context of healthy population screening.

Labcorp Genetics (formerly Invitae), Labcorp
Classification: Likely pathogenic for Autosomal recessive limb-girdle muscular dystrophy type 2A. Last evaluated: 2025-09-30. Review status: criteria provided, single submitter. Criteria: Invitae Variant Classification Sherloc (09022015). Collection method: clinical testing. Allele origin: germline.
Comment: This sequence change falls in intron 20 of the CAPN3 gene. It does not directly change the encoded amino acid sequence of the CAPN3 protein. RNA analysis indicates that this variant induces altered splicing and likely results in the gain of 5 amino acid residue(s), but is expected to preserve the integrity of the reading-frame. This variant is present in population databases (no rsID available, gnomAD 0.01%). This variant has been observed in individual(s) with autosomal recessive limb-girdle muscular dystrophy (PMID: 15689361, 17979987, 20044116; internal data). In at least one individual the data is consistent with being in trans (on the opposite chromosome) from a pathogenic variant. This variant is also known as IVS20-16A>G. ClinVar contains an entry for this variant (Variation ID: 1067217). Studies have shown that this variant results in the activation of a cryptic splice site in 20 (PMID: 17979987). In summary, the currently available evidence indicates that the variant is pathogenic, but additional data are needed to prove that conclusively. Therefore, this variant has been classified as Likely Pathogenic.

GeneDx
Classification: Likely pathogenic. Last evaluated: 2024-04-01. Review status: criteria provided, single submitter. Criteria: GeneDx Variant Classification Process June 2021. Collection method: clinical testing. Allele origin: germline. Affected: yes.
Comment: Published functional studies demonstrate a damaging effect as cDNA analysis found that c.2185-16 A>G results in a variant transcript with a 15 base pair insertion that is predicted to disrupt calcium binding and homo-dimerization (PMID: 17979987); Not observed at significant frequency in large population cohorts (gnomAD); In silico analysis supports a deleterious effect on splicing; This variant is associated with the following publications: (PMID: 17979987)

Literature cited by the submitters: PubMed 17979987 (cited by Myriad Genetics, Inc. and Labcorp Genetics (formerly Invitae), Labcorp); PubMed 15689361 (cited by Labcorp Genetics (formerly Invitae), Labcorp); PubMed 20044116 (cited by Labcorp Genetics (formerly Invitae), Labcorp).

NM_000070.3(CAPN3):c.2185-16A>G

Gene: CAPN3 (calpain 3; plus strand). Cytogenetic location: 15q15.1.
Variant type: single nucleotide variant.
Coding change: c.2185-16A>G on transcript NM_000070.3 (MANE Select); 16 bases into the intron before coding-DNA position 2185, A replaced by G.
Molecular consequence: intron variant.
Genome position (GRCh38, 1-based): chr15:42,410,572, A>G. VCF-style: chr15-42410572-A-G. GRCh37 (hg19) VCF-style: chr15-42702770-A-G.
Other names: c.2167-16A>G (NM_024344.2); c.1909-16A>G (NM_173087.2); c.649-16A>G (NM_173088.2); c.190-16A>G (NM_173090.2, NM_173089.2).
Identifiers: ClinVar variation 1067217 (VCV001067217.14), dbSNP rs1339644598, ClinGen allele CA618001608.